The following is an entry in ClinVar:

ClinVar aggregate classification (germline): Uncertain significance (1 of 4 stars; one submission).

Conditions:
Hyperkalemic periodic paralysis. Also called: Familial hyperkalemic periodic paralysis; Gamstorp disease. Identifiers: Orphanet 682, MedGen C0238357, MONDO:0008224, OMIM 170500, HP:0007215.

Allele frequency attached by ClinVar (database versions not stated): gnomAD 0.00001.
gnomAD v4.1: 3 of 1,613,864 alleles (0.00019%); highest among the groups gnomAD compares: Non-Finnish European, 0.00025%; no homozygotes.

Submission:

Labcorp Genetics (formerly Invitae), Labcorp
Classification: Uncertain significance for Hyperkalemic periodic paralysis. Last evaluated: 2019-08-22. Review status: criteria provided, single submitter. Criteria: Invitae Variant Classification Sherloc (09022015). Collection method: clinical testing. Allele origin: germline.
Comment: In summary, the available evidence is currently insufficient to determine the role of this variant in disease. Therefore, it has been classified as a Variant of Uncertain Significance. Algorithms developed to predict the effect of missense changes on protein structure and function (SIFT, PolyPhen-2, Align-GVGD) all suggest that this variant is likely to be tolerated, but these predictions have not been confirmed by published functional studies and their clinical significance is uncertain. This variant has not been reported in the literature in individuals with SCN4A-related conditions. This variant is not present in population databases (ExAC no frequency). This sequence change replaces lysine with asparagine at codon 1778 of the SCN4A protein (p.Lys1778Asn). The lysine residue is moderately conserved and there is a moderate physicochemical difference between lysine and asparagine.

NM_000334.4(SCN4A):c.5334G>T (p.Lys1778Asn)

Genes: GH-LCR (growth hormone locus control region; plus strand), SCN4A (sodium voltage-gated channel alpha subunit 4; minus strand). Cytogenetic location: 17q23.3.
Variant type: single nucleotide variant.
Coding change: c.5334G>T on transcript NM_000334.4 (MANE Select); coding-DNA position 5334, G replaced by T.
Protein change: p.Lys1778Asn; replaces lysine 1778 with asparagine.
Molecular consequence: missense variant.
Genome position (GRCh38, 1-based): chr17:63,940,948, C>A on the plus strand (G>T on the coding strand, the complement: SCN4A is on the minus strand). VCF-style: chr17-63940948-C-A. GRCh37 (hg19) VCF-style: chr17-62018308-C-A.
Other names: short protein forms K1778N.
Identifiers: ClinVar variation 860568 (VCV000860568.10), dbSNP rs779474162, ClinGen allele CA400610848.